The following is an entry in ClinVar:

ClinVar aggregate classification (germline): Pathogenic/Likely pathogenic. Review status: criteria provided, multiple submitters, no conflicts (2 of 4 stars). 2 submissions from 2 submitters: Pathogenic (1); Likely pathogenic (1). Last evaluated 2024-01-16.

Conditions:
Familial cancer of breast. Also called: Hereditary breast cancer; BREAST CANCER, FAMILIAL; hereditary breast carcinoma. Identifiers: Orphanet 227535, MedGen C0346153, MONDO:0016419, OMIM 114480. Disease mechanism: loss of function.

Submissions (2):

Myriad Genetics, Inc.
Classification: Pathogenic for Familial cancer of breast. Last evaluated: 2024-01-16. Review status: criteria provided, single submitter. Criteria: Myriad Autosomal Dominant, Autosomal Recessive and X-Linked Classification Criteria (2023). Collection method: clinical testing. Allele origin: unknown.
Comment: This variant is considered pathogenic. This variant creates a termination codon and is predicted to result in premature protein truncation.

GeneDx
Classification: Likely pathogenic. Last evaluated: 2016-12-16. Review status: criteria provided, single submitter. Criteria: GeneDx Variant Classification (06012015). Collection method: clinical testing. Allele origin: germline. Affected: yes.
Comment: This deletion of two nucleotides is denoted ATM c.1749_1750delTCinsAT at the cDNA level and p.Tyr583Ter (Y583X) at the protein level. The normal sequence, with the bases that are deleted in brackets, is TCTA[delTC][insAT]AGTT. The deletion creates a nonsense variant, which changes a Tyrosine to a premature stop codon. Although this variant has not been previously reported to our knowledge, it is predicted to cause loss of normal protein function through either protein truncation or nonsense-mediated mRNA decay, and is considered likely pathogenic.

NM_000051.4(ATM):c.1749_1750delinsAT (p.Tyr583_Gln584delinsTer)

Gene: ATM (ATM serine/threonine kinase; plus strand). Cytogenetic location: 11q22.3.
Variant type: Indel.
Coding change: c.1749_1750delinsAT on transcript NM_000051.4 (MANE Select); coding-DNA positions 1749 to 1750, TC replaced by AT.
Protein change: p.Tyr583_Gln584delinsTer.
Molecular consequence: nonsense.
Genome position (GRCh38, 1-based): chr11:108,251,978-108,251,979, TC replaced by AT. VCF-style: chr11-108251978-TC-AT. GRCh37 (hg19) VCF-style: chr11-108122705-TC-AT.
Other names: c.1749_1750delinsAT, p.Tyr583_Gln584delinsTer (NM_001351834.2); c.1749_1750delTCinsAT (NM_000051.3).
Identifiers: ClinVar variation 422906 (VCV000422906.3), dbSNP rs1064796083, ClinGen allele CA16619126.